The following is an entry in ClinVar:

NM_144687.4(NLRP12):c.1459G>C (p.Asp487His)

Gene: NLRP12 (NLR family pyrin domain containing 12; minus strand). Cytogenetic location: 19q13.42.
Variant type: single nucleotide variant.
Coding change: c.1459G>C on transcript NM_144687.4 (MANE Select); coding-DNA position 1459, G replaced by C.
Protein change: p.Asp487His; replaces aspartic acid 487 with histidine.
Molecular consequence: missense variant.
Genome position (GRCh38, 1-based): chr19:53,810,200, C>G on the plus strand (G>C on the coding strand, the complement: NLRP12 is on the minus strand). VCF-style: chr19-53810200-C-G. GRCh37 (hg19) VCF-style: chr19-54313454-C-G.
Other names: c.1459G>C, p.Asp487His (NM_001277126.2, NM_001277129.1); short protein forms D487H.
Identifiers: ClinVar variation 951667 (VCV000951667.9), dbSNP rs745752604, ClinGen allele CA407413460.

ClinVar aggregate classification (germline): Uncertain significance (1 of 4 stars; one submission).

Conditions:
Familial cold autoinflammatory syndrome 2 (FCAS2). Identifiers: Orphanet 247868, MedGen C2673198, MONDO:0012724, OMIM 611762.

Submission:

Labcorp Genetics (formerly Invitae), Labcorp
Classification: Uncertain significance for Familial cold autoinflammatory syndrome 2. Last evaluated: 2019-07-08. Review status: criteria provided, single submitter. Criteria: Invitae Variant Classification Sherloc (09022015). Collection method: clinical testing. Allele origin: germline.
Comment: In summary, the available evidence is currently insufficient to determine the role of this variant in disease. Therefore, it has been classified as a Variant of Uncertain Significance. This sequence change replaces aspartic acid with histidine at codon 487 of the NLRP12 protein (p.Asp487His). The aspartic acid residue is highly conserved and there is a moderate physicochemical difference between aspartic acid and histidine. This variant is not present in population databases (ExAC no frequency). This variant has not been reported in the literature in individuals with NLRP12-related conditions. Algorithms developed to predict the effect of missense changes on protein structure and function are either unavailable or do not agree on the potential impact of this missense change (SIFT: "Deleterious"; PolyPhen-2: "Benign"; Align-GVGD: "Class C0").